The following is an entry in ClinVar:

ClinVar aggregate classification (germline): Uncertain significance (1 of 4 stars; one submission).

Conditions:
Lamb-Shaffer syndrome. Identifiers: Orphanet 313884, Orphanet 313892, Orphanet 530983, MedGen C4225202, MONDO:0014778, OMIM 616803.

Submission:

Juno Genomics, Hangzhou Juno Genomics, Inc
Classification: Uncertain significance for Lamb-Shaffer syndrome. Review status: criteria provided, single submitter. Criteria: ACMG Guidelines, 2015. Collection method: clinical testing. Allele origin: germline.
Comment: Absent from controls (or at extremely low frequency if recessive) in Genome Aggregation Database.;Missense variant in a gene that has a low rate of benign missense variation.

NM_006940.6(SOX5):c.259C>T (p.His87Tyr)

Gene: SOX5 (SRY-box transcription factor 5; minus strand). Cytogenetic location: 12p12.1.
Variant type: single nucleotide variant.
Coding change: c.259C>T on transcript NM_006940.6 (MANE Select); coding-DNA position 259, C replaced by T.
Protein change: p.His87Tyr; replaces histidine 87 with tyrosine.
Molecular consequence: missense variant. On other transcripts: intron variant (1).
Genome position (GRCh38, 1-based): chr12:23,895,804, G>A on the plus strand (C>T on the coding strand, the complement: SOX5 is on the minus strand). VCF-style: chr12-23895804-G-A. GRCh37 (hg19) VCF-style: chr12-24048738-G-A.
Other names: c.220C>T, p.His74Tyr (NM_001261414.3, NM_152989.5); c.229C>T, p.His77Tyr (NM_001261415.3); c.165+94C>T (NM_001330785.2); short protein forms H74Y, H77Y, H87Y.
Identifiers: ClinVar variation 5005081 (VCV005005081.2).
Genomic context (GRCh38, chr12:23,895,804, plus strand): 5'-AGACTGGTCAAAAAGTGAGTGTAGGCACAATAAACCATGAGAAACCTACCATTGTATTGT[G>A]CTGAGAAGTGGGAGTCCTATGGCCACAAGTCTCTTGCGTCAGCAGAGAAACTGGCTGAAA-3'
Protein context (NP_008871.3, residues 77-97): TCGHRTPTSQ[His87Tyr]NTMEVDGNKV